The following is an entry in ClinVar:

ClinVar aggregate classification (germline): Uncertain significance (1 of 4 stars; one submission).

Conditions:
DK1-congenital disorder of glycosylation. Also called: CONGENITAL DISORDER OF GLYCOSYLATION, TYPE Im; CDG Im; DOLK-congenital disorder of glycosylation; Carbohydrate deficient glycoprotein syndrome type 1m; DK1 DEFICIENCY; DOLICHOL KINASE DEFICIENCY. Identifiers: Orphanet 91131, MedGen C1835849, MONDO:0012556, OMIM 610768.

Allele frequency attached by ClinVar (database versions not stated): TOPMed 0.00001.

Submission:

Labcorp Genetics (formerly Invitae), Labcorp
Classification: Uncertain significance for DK1-congenital disorder of glycosylation. Last evaluated: 2022-01-01. Review status: criteria provided, single submitter. Criteria: Invitae Variant Classification Sherloc (09022015). Collection method: clinical testing. Allele origin: germline.
Comment: This sequence change creates a premature translational stop signal (p.Ala435Serfs*40) in the DOLK gene. While this is not anticipated to result in nonsense mediated decay, it is expected to disrupt the last 104 amino acid(s) of the DOLK protein. This variant is not present in population databases (gnomAD no frequency). This variant has not been reported in the literature in individuals affected with DOLK-related conditions. Experimental studies and prediction algorithms are not available or were not evaluated, and the functional significance of this variant is currently unknown. In summary, the available evidence is currently insufficient to determine the role of this variant in disease. Therefore, it has been classified as a Variant of Uncertain Significance.

NM_014908.4(DOLK):c.1302_1311del (p.Ala435fs)

Gene: DOLK (dolichol kinase; minus strand). Cytogenetic location: 9q34.11.
Variant type: Deletion.
Coding change: c.1302_1311del on transcript NM_014908.4 (MANE Select); coding-DNA positions 1302 to 1311, 10 bases deleted (AGCCAGGGCC; older notation c.1302_1311delAGCCAGGGCC).
Protein change: p.Ala435fs; shifts the reading frame from alanine 435.
Molecular consequence: frameshift variant.
Genome position (GRCh38, 1-based): chr9:128,945,993-128,946,002, GGCCCTGGCT deleted on the plus strand (AGCCAGGGCC on the coding strand, the reverse complement: DOLK is on the minus strand). VCF-style (leftmost placement, unchanged base first): chr9-128945992-GGGCCCTGGCT-G. GRCh37 (hg19) VCF-style: chr9-131708271-GGGCCCTGGCT-G.
Other names: short protein forms A435fs.
Identifiers: ClinVar variation 2069024 (VCV002069024.3), dbSNP rs1841656668, ClinGen allele CA1880525589.